The following is an entry in ClinVar:

NM_004446.3(EPRS1):c.3331G>A (p.Glu1111Lys)

Gene: EPRS1 (glutamyl-prolyl-tRNA synthetase 1; minus strand). Cytogenetic location: 1q41.
Variant type: single nucleotide variant.
Coding change: c.3331G>A on transcript NM_004446.3 (MANE Select); coding-DNA position 3331, G replaced by A.
Protein change: p.Glu1111Lys; replaces glutamic acid 1111 with lysine.
Molecular consequence: missense variant.
Genome position (GRCh38, 1-based): chr1:219,982,814, C>T on the plus strand (G>A on the coding strand, the complement: EPRS1 is on the minus strand). VCF-style: chr1-219982814-C-T. GRCh37 (hg19) VCF-style: chr1-220156156-C-T.
Other names: c.3331G>A (NM_004446.2); short protein forms E1111K.
Identifiers: ClinVar variation 1680870 (VCV001680870.9), dbSNP rs537731575, ClinGen allele CA1399721.
Genomic context (GRCh38, chr1:219,982,814, plus strand): 5'-TCCAATGCCTATTCTCACCTGTTTCACTAGTAGGACGAATGGCAATTGGTTCTGCCAGCT[C>T]GGTTTTGCCAGATCTTGTAACCCAAGCAACCTAGTAAGAAAAAATCATTTTTCATACTTT-3'
Protein context (NP_004437.2, residues 1101-1121): VAWVTRSGKT[Glu1111Lys]LAEPIAIRPT

ClinVar aggregate classification (germline): Uncertain significance. Review status: criteria provided, multiple submitters, no conflicts (2 of 4 stars). 2 submissions from 2 submitters: Uncertain significance (2). Last evaluated 2025-10-17.

Conditions:
Inborn genetic diseases. Identifiers: MedGen C0950123, MeSH D030342.

Allele frequency attached by ClinVar (database versions not stated): gnomAD exomes below 0.00001; ExAC 0.00001; gnomAD 0.00001 and 0.00003; TOPMed 0.00002.

Submissions (2):

Ambry Genetics
Classification: Uncertain significance for Inborn genetic diseases. Last evaluated: 2025-10-17. Review status: criteria provided, single submitter. Criteria: Ambry Variant Classification Scheme 2023. Collection method: clinical testing. Allele origin: germline.

Labcorp Genetics (formerly Invitae), Labcorp
Classification: Uncertain significance. Last evaluated: 2024-02-23. Review status: criteria provided, single submitter. Criteria: Invitae Variant Classification Sherloc (09022015). Collection method: clinical testing. Allele origin: germline.
Comment: This sequence change replaces glutamic acid, which is acidic and polar, with lysine, which is basic and polar, at codon 1111 of the EPRS protein (p.Glu1111Lys). This variant is present in population databases (rs537731575, gnomAD 0.0009%). This variant has not been reported in the literature in individuals affected with EPRS-related conditions. ClinVar contains an entry for this variant (Variation ID: 1680870). An algorithm developed to predict the effect of missense changes on protein structure and function (PolyPhen-2) suggests that this variant is likely to be tolerated. In summary, the available evidence is currently insufficient to determine the role of this variant in disease. Therefore, it has been classified as a Variant of Uncertain Significance.